The following is an entry in ClinVar:

ClinVar aggregate classification (germline): not provided (0 of 4 stars; one submission).

Conditions:
Familial long QT syndrome (RWS). Also called: Congenital long QT syndrome; Romano-Ward syndrome; VENTRICULAR FIBRILLATION WITH PROLONGED QT INTERVAL. Identifiers: Orphanet 768, MedGen C1141890, MONDO:0019171.

Submission:

Cardiovascular Biomedical Research Unit, Royal Brompton & Harefield NHS Foundation Trust
No classification provided. Condition: Familial long QT syndrome. Review status: no classification provided. Collection method: literature only. Allele origin: germline.
Comment: This variant has been reported as associated with Long QT syndrome in the following publications (PMID:19862833). This is a literature report, and does not necessarily reflect the clinical interpretation of the Imperial College / Royal Brompton Cardiovascular Genetics laboratory.

Literature cited by the submitters: PubMed 19862833; PubMed 22581653.

NM_000238.4(KCNH2):c.2573T>C (p.Ile858Thr)

Gene: KCNH2 (potassium voltage-gated channel subfamily H member 2; minus strand). Cytogenetic location: 7q36.1.
Variant type: single nucleotide variant.
Coding change: c.2573T>C on transcript NM_000238.4 (MANE Select); coding-DNA position 2573, T replaced by C.
Protein change: p.Ile858Thr; replaces isoleucine 858 with threonine.
Molecular consequence: missense variant.
Genome position (GRCh38, 1-based): chr7:150,948,875, A>G on the plus strand (T>C on the coding strand, the complement: KCNH2 is on the minus strand). VCF-style: chr7-150948875-A-G. GRCh37 (hg19) VCF-style: chr7-150645963-A-G.
Other names: c.2573T>C (LRG_288t1); c.1553T>C, p.Ile518Thr (NM_172057.3); short protein forms I518T, I858T.
Identifiers: ClinVar variation 67412 (VCV000067412.1), dbSNP rs199473539, ClinGen allele CA006942.
Genomic context (GRCh38, chr7:150,948,875, plus strand): 5'-GAAGCAGGAGGATGGGGTCCAGCTCAGGGCAGCCAACTCACATCTCGCAGGTTGAAGGTG[A>G]TCTCCAGGCTGGACCAGAAGTGGTCGGAGAACTCAGGGTACATGTCCAGCACCTCCAGCA-3'
Protein context (NP_000229.1, residues 848-868): FSDHFWSSLE[Ile858Thr]TFNLRDTNMI